The following is an entry in ClinVar:

ClinVar aggregate classification (germline): Uncertain significance. Review status: criteria provided, multiple submitters, no conflicts (2 of 4 stars). 2 submissions from 2 submitters: Uncertain significance (2). Last evaluated 2025-03-30.

Conditions:
Ataxia-telangiectasia syndrome (AT). Also called: LOUIS-BAR SYNDROME; Cerebello-oculocutaneous telangiectasia; Immunodeficiency with ataxia telangiectasia; Ataxia telangiectasia (A-T); Ataxia-telangiectasia, complementation group D; AT, COMPLEMENTATION GROUP C. Identifiers: Orphanet 100, MedGen C0004135, MONDO:0008840, OMIM 208900.
Hereditary cancer-predisposing syndrome. Also called: Neoplastic Syndromes, Hereditary; Tumor predisposition; Hereditary Cancer Syndrome; Hereditary neoplastic syndrome. Identifiers: Orphanet 140162, MedGen C0027672, MeSH D009386, MONDO:0015356.

Submissions (2):

Labcorp Genetics (formerly Invitae), Labcorp
Classification: Uncertain significance for Ataxia-telangiectasia syndrome. Last evaluated: 2025-03-30. Review status: criteria provided, single submitter. Criteria: Invitae Variant Classification Sherloc (09022015). Collection method: clinical testing. Allele origin: germline.
Comment: This sequence change replaces leucine, which is neutral and non-polar, with serine, which is neutral and polar, at codon 2946 of the ATM protein (p.Leu2946Ser). This variant is not present in population databases (gnomAD no frequency). This variant has not been reported in the literature in individuals affected with ATM-related conditions. ClinVar contains an entry for this variant (Variation ID: 1474882). Invitae Evidence Modeling of protein sequence and biophysical properties (such as structural, functional, and spatial information, amino acid conservation, physicochemical variation, residue mobility, and thermodynamic stability) indicates that this missense variant is expected to disrupt ATM protein function with a positive predictive value of 95%. In summary, the available evidence is currently insufficient to determine the role of this variant in disease. Therefore, it has been classified as a Variant of Uncertain Significance.

Ambry Genetics
Classification: Uncertain significance for Hereditary cancer-predisposing syndrome. Last evaluated: 2023-06-05. Review status: criteria provided, single submitter. Criteria: Ambry Variant Classification Scheme 2023. Collection method: clinical testing. Allele origin: germline.
Comment: The p.L2946S variant (also known as c.8837T>C), located in coding exon 60 of the ATM gene, results from a T to C substitution at nucleotide position 8837. The leucine at codon 2946 is replaced by serine, an amino acid with dissimilar properties. This amino acid position is conserved. In addition, this alteration is predicted to be deleterious by in silico analysis. Since supporting evidence is limited at this time, the clinical significance of this alteration remains unclear.

NM_000051.4(ATM):c.8837T>C (p.Leu2946Ser)

Genes: ATM (ATM serine/threonine kinase; plus strand), C11orf65 (chromosome 11 open reading frame 65; minus strand). Cytogenetic location: 11q22.3.
Variant type: single nucleotide variant.
Coding change: c.8837T>C on transcript NM_000051.4 (MANE Select); coding-DNA position 8837, T replaced by C.
Protein change: p.Leu2946Ser; replaces leucine 2946 with serine.
Molecular consequence: missense variant. On other transcripts: intron variant (2).
Genome position (GRCh38, 1-based): chr11:108,354,861, T>C. VCF-style: chr11-108354861-T-C. GRCh37 (hg19) VCF-style: chr11-108225588-T-C.
Other names: c.8837T>C, p.Leu2946Ser (NM_001351834.2); c.640+31059A>G (NM_001330368.2); c.695-19569A>G (NM_001351110.2); short protein forms L2946S.
Identifiers: ClinVar variation 1474882 (VCV001474882.11), dbSNP rs2137352720, ClinGen allele CA382526042.
Genomic context (GRCh38, chr11:108,354,861, plus strand): 5'-TTGACTCTAGATGCTGTGAGAAAACCATGGAAGTGATGAGAAACTCTCAGGAAACTCTGT[T>C]AACCATTGTAGAGGTAAAGTATTTTATAAGGAAGACTTTATTTTTTTTCTTACCAGGTAG-3'
Protein context (NP_000042.3, residues 2936-2956): EVMRNSQETL[Leu2946Ser]TIVEVLLYDP